The following is an entry in ClinVar:

ClinVar aggregate classification (germline): Uncertain significance (1 of 4 stars; one submission).

Submission:

HudsonAlpha Institute for Biotechnology
Classification: Uncertain significance. Last evaluated: 2020-04-23. Review status: criteria provided, single submitter. Criteria: ACMG/ClinGen CNV Guidelines, 2019. Collection method: research. Allele origin: unknown. Observed: 1 variant allele. Study: CSER-SouthSeq.
Comment: ACMG codes:2K(+0.30), 4L(+0.10)

GRCh37/hg19 Xq13.1(chrX:70386654-70743623)x2

Genes: GJB1 (gap junction protein beta 1; plus strand), ITGB1BP2 (integrin subunit beta 1 binding protein 2; plus strand), NLGN3 (neuroligin 3; plus strand), NONO (non-POU domain containing octamer binding; plus strand), TAF1 (TATA-box binding protein associated factor 1; plus strand) and 1 more. Cytogenetic location: Xq13.1.
Variant type: copy number gain.
Change: copy number 2 of chrX:70,386,654-70,743,623 (357.0 kb, GRCh37 coordinates, 1-based), cytogenetic band Xq13.1.
Identifiers: ClinVar variation 1322000 (VCV001322000.1).